The following is an entry in ClinVar:

NM_005633.4(SOS1):c.3187A>T (p.Ile1063Phe)

Gene: SOS1 (SOS Ras/Rac guanine nucleotide exchange factor 1; minus strand). Cytogenetic location: 2p22.1.
Variant type: single nucleotide variant.
Coding change: c.3187A>T on transcript NM_005633.4 (MANE Select); coding-DNA position 3187, A replaced by T.
Protein change: p.Ile1063Phe; replaces isoleucine 1063 with phenylalanine.
Molecular consequence: missense variant.
Genome position (GRCh38, 1-based): chr2:38,995,282, T>A on the plus strand (A>T on the coding strand, the complement: SOS1 is on the minus strand). VCF-style: chr2-38995282-T-A. GRCh37 (hg19) VCF-style: chr2-39222423-T-A.
Other names: c.3166A>T, p.Ile1056Phe (NM_001382394.1); c.3187A>T, p.Ile1063Phe (NM_001382395.1); short protein forms I1056F, I1063F.
Identifiers: ClinVar variation 4767962 (VCV004767962.1).

ClinVar aggregate classification (germline): Uncertain significance (1 of 4 stars; one submission).

Conditions:
RASopathy. Also called: Noonan spectrum disorder; rasopathies. Identifiers: Orphanet 536391, MedGen C5555857, MONDO:0021060.

Submission:

Labcorp Genetics (formerly Invitae), Labcorp
Classification: Uncertain significance for RASopathy. Last evaluated: 2025-11-06. Review status: criteria provided, single submitter. Criteria: Invitae Variant Classification Sherloc (09022015). Collection method: clinical testing. Allele origin: germline.
Comment: This sequence change replaces isoleucine, which is neutral and non-polar, with phenylalanine, which is neutral and non-polar, at codon 1063 of the SOS1 protein (p.Ile1063Phe). This variant is not present in population databases (gnomAD no frequency). This variant has not been reported in the literature in individuals affected with SOS1-related conditions. Invitae Evidence Modeling of protein sequence and biophysical properties (such as structural, functional, and spatial information, amino acid conservation, physicochemical variation, residue mobility, and thermodynamic stability) indicates that this missense variant is not expected to disrupt SOS1 protein function with a negative predictive value of 95%. In summary, the available evidence is currently insufficient to determine the role of this variant in disease. Therefore, it has been classified as a Variant of Uncertain Significance.